The following is an entry in ClinVar:

ClinVar aggregate classification (germline): Likely pathogenic. Review status: criteria provided, multiple submitters, no conflicts (2 of 4 stars). 2 submissions from 2 submitters: Likely pathogenic (2). Last evaluated 2024-09-22.

Conditions:
KCNA3-associated developmental and epileptic encephalopathy.
Neurodevelopmental disorder. Identifiers: MedGen C1535926, MeSH D065886, MONDO:0700092.

Submissions (2):

Victorian Clinical Genetics Services, Murdoch Childrens Research Institute
Classification: Likely pathogenic for Neurodevelopmental disorder. Last evaluated: 2024-09-22. Review status: criteria provided, single submitter. Criteria: ACMG Guidelines, 2015. Collection method: clinical testing. Allele origin: germline. Inheritance: Autosomal dominant inheritance. Affected: yes.
Comment: Based on the classification scheme VCGS_Germline_v1.3.4, this variant is classified as Likely pathogenic. Following criteria are met: 0105 - The mechanism of disease for this gene is not clearly established. This gene is associated with neurodevelopmental disorder, MONDO:0700092, KCNA3-related. (I) 0107 - This gene is associated with autosomal dominant disease (personal communication). (I) 0200 - Variant is predicted to result in a missense amino acid change from threonine to isoleucine. (I) 0251 - This variant is heterozygous. (I) 0301 - Variant is absent from gnomAD (both v2 and v3). (SP) 0501 - Missense variant consistently predicted to be damaging by multiple in silico tools or highly conserved with a major amino acid change. (SP) 0602 - Variant is located in a hotspot region or cluster of pathogenic variants from residues 431 to 478 (DECIPHER, Personal communications). (SP) 0705 - No comparable missense variants have previous evidence for pathogenicity. (I) 0802 - This variant has moderate previous evidence of pathogenicity in an unrelated individual. This variant has been identified in a de novo heterozygous individual with developmental and epileptic encephalopathy (Personal communications). (SP) 0905 - No published segregation evidence has been identified for this variant. (I) 1002 - This variant has moderate functional evidence supporting abnormal protein function. This variant causes absent Kv1.3 channel current, and when co-transfected it suppresses currents carried by wild-type Kv1.3 subunits (Personal communications). (SP) Legend: (SP) - Supporting pathogenic, (I) - Information, (SB) - Supporting benign

Institute of Human Genetics, University of Leipzig Medical Center
Classification: Likely pathogenic for KCNA3-associated developmental and epileptic encephalopathy. Last evaluated: 2023-02-14. Review status: criteria provided, single submitter. Criteria: ACMG Guidelines, 2015. Collection method: research. Allele origin: de novo. Inheritance: Autosomal dominant inheritance. Affected: yes. Observed: 2 variant alleles.
Comment: This variant was identified as de novo (maternity and paternity confirmed). Criteria applied: PS3, PS2_MOD, PM2_SUP, PP3

Literature cited by the submitters: PubMed 37964487 (cited by Institute of Human Genetics, University of Leipzig Medical Center).

NM_002232.5(KCNA3):c.1328C>T (p.Thr443Ile)

Gene: KCNA3 (potassium voltage-gated channel subfamily A member 3; minus strand). Cytogenetic location: 1p13.3.
Variant type: single nucleotide variant.
Coding change: c.1328C>T on transcript NM_002232.5 (MANE Select); coding-DNA position 1328, C replaced by T.
Protein change: p.Thr443Ile; replaces threonine 443 with isoleucine.
Molecular consequence: missense variant.
Genome position (GRCh38, 1-based): chr1:110,673,482, G>A on the plus strand (C>T on the coding strand, the complement: KCNA3 is on the minus strand). VCF-style: chr1-110673482-G-A. GRCh37 (hg19) VCF-style: chr1-111216104-G-A.
Other names: c.1328C>T (NM_002232.4); short protein forms T443I.
Identifiers: ClinVar variation 2500323 (VCV002500323.3), dbSNP rs2524761374, ClinGen allele CA341808343.